The following is an entry in ClinVar:

NM_033004.4(NLRP1):c.1634A>G (p.Lys545Arg)

Gene: NLRP1 (NLR family pyrin domain containing 1; minus strand). Cytogenetic location: 17p13.2.
Variant type: single nucleotide variant.
Coding change: c.1634A>G on transcript NM_033004.4 (MANE Select); coding-DNA position 1634, A replaced by G.
Protein change: p.Lys545Arg; replaces lysine 545 with arginine.
Molecular consequence: missense variant.
Genome position (GRCh38, 1-based): chr17:5,559,062, T>C on the plus strand (A>G on the coding strand, the complement: NLRP1 is on the minus strand). VCF-style: chr17-5559062-T-C. GRCh37 (hg19) VCF-style: chr17-5462382-T-C.
Other names: c.1634A>G, p.Lys545Arg (NM_001033053.3, NM_014922.5, NM_033006.4 and 1 more transcripts); short protein forms K545R.
Identifiers: ClinVar variation 2778630 (VCV002778630.3), dbSNP rs775300927, ClinGen allele CA8327346.

ClinVar aggregate classification (germline): Uncertain significance (1 of 4 stars; one submission).

Allele frequency attached by ClinVar (database versions not stated): gnomAD exomes below 0.00001; TOPMed below 0.00001; ExAC 0.00001.
gnomAD v4.1: 3 of 1,614,156 alleles (0.00019%); highest among the groups gnomAD compares: Non-Finnish European, 0.00017%; no homozygotes.

Submission:

Labcorp Genetics (formerly Invitae), Labcorp
Classification: Uncertain significance. Last evaluated: 2023-04-22. Review status: criteria provided, single submitter. Criteria: Invitae Variant Classification Sherloc (09022015). Collection method: clinical testing. Allele origin: germline.
Comment: This sequence change replaces lysine, which is basic and polar, with arginine, which is basic and polar, at codon 545 of the NLRP1 protein (p.Lys545Arg). An algorithm developed to predict the effect of missense changes on protein structure and function (PolyPhen-2) suggests that this variant is likely to be tolerated. In summary, the available evidence is currently insufficient to determine the role of this variant in disease. Therefore, it has been classified as a Variant of Uncertain Significance. This variant is present in population databases (rs775300927, gnomAD 0.0009%). This variant has not been reported in the literature in individuals affected with NLRP1-related conditions.